The following is an entry in ClinVar:

NM_145046.5(CALR3):c.832C>T (p.Arg278Cys)

Gene: CALR3 (calreticulin 3; minus strand). Cytogenetic location: 19p13.11.
Variant type: single nucleotide variant.
Coding change: c.832C>T on transcript NM_145046.5 (MANE Select); coding-DNA position 832, C replaced by T.
Protein change: p.Arg278Cys; replaces arginine 278 with cysteine.
Molecular consequence: missense variant.
Genome position (GRCh38, 1-based): chr19:16,482,536, G>A on the plus strand (C>T on the coding strand, the complement: CALR3 is on the minus strand). VCF-style: chr19-16482536-G-A. GRCh37 (hg19) VCF-style: chr19-16593347-G-A.
Other names: c.832C>T (NM_145046.3); short protein forms R278C.
Identifiers: ClinVar variation 471795 (VCV000471795.11), dbSNP rs543953490, ClinGen allele CA9278261.
Genomic context (GRCh38, chr19:16,482,536, plus strand): 5'-CAATGTTCTCAAATTCTGAGAGGTCATACTGCGTCAAATAGTCGGTATTCTTCATCTTAC[G>A]GTGGAGCCAGACGTCTTTATGAATACCTTCTGGTTTCAGGCCATCCTGTATCAAAAAAAC-3'
Protein context (NP_659483.2, residues 268-288): EGIHKDVWLH[Arg278Cys]KMKNTDYLTQ

ClinVar aggregate classification (germline): Uncertain significance. Review status: criteria provided, multiple submitters, no conflicts (2 of 4 stars). 2 submissions from 2 submitters: Uncertain significance (2). Last evaluated 2025-06-20.

Conditions:
Hypertrophic cardiomyopathy 19. Also called: Familial hypertrophic cardiomyopathy 19. Identifiers: MedGen CN077603, MONDO:0013476.

Allele frequency attached by ClinVar (database versions not stated): ExAC 0.00002; gnomAD 0.00002 and 0.00003; TOPMed 0.00003; gnomAD exomes 0.00004; 1000 Genomes Project 30x 0.00016; 1000 Genomes Project 0.00020.
gnomAD v4.1: 22 of 1,614,148 alleles (0.0014%); highest among the groups gnomAD compares: East Asian, 0.013%; no homozygotes.

Submissions (2):

Labcorp Genetics (formerly Invitae), Labcorp
Classification: Uncertain significance for Hypertrophic cardiomyopathy 19. Last evaluated: 2025-06-20. Review status: criteria provided, single submitter. Criteria: Invitae Variant Classification Sherloc (09022015). Collection method: clinical testing. Allele origin: germline.
Comment: This sequence change replaces arginine, which is basic and polar, with cysteine, which is neutral and slightly polar, at codon 278 of the CALR3 protein (p.Arg278Cys). This variant is present in population databases (rs543953490, gnomAD 0.03%). This variant has not been reported in the literature in individuals affected with CALR3-related conditions. ClinVar contains an entry for this variant (Variation ID: 471795). Invitae Evidence Modeling of protein sequence and biophysical properties (such as structural, functional, and spatial information, amino acid conservation, physicochemical variation, residue mobility, and thermodynamic stability) indicates that this missense variant is not expected to disrupt CALR3 protein function with a negative predictive value of 80%. In summary, the available evidence is currently insufficient to determine the role of this variant in disease. Therefore, it has been classified as a Variant of Uncertain Significance.

Ambry Genetics
Classification: Uncertain significance. Last evaluated: 2025-02-07. Review status: criteria provided, single submitter. Criteria: Ambry Variant Classification Scheme 2023. Collection method: clinical testing. Allele origin: germline.